The following is an entry in ClinVar:

ClinVar aggregate classification (germline): Uncertain significance. Review status: criteria provided, multiple submitters, no conflicts (2 of 4 stars). 2 submissions from 2 submitters: Uncertain significance (2). Last evaluated 2023-05-29.

Conditions:
Pure or complex autosomal recessive spastic paraplegia. Identifiers: Orphanet 320346, MedGen C5679887, MONDO:0017915.

Submissions (2):

Labcorp Genetics (formerly Invitae), Labcorp
Classification: Uncertain significance for Pure or complex autosomal recessive spastic paraplegia. Last evaluated: 2023-05-29. Review status: criteria provided, single submitter. Criteria: Invitae Variant Classification Sherloc (09022015). Collection method: clinical testing. Allele origin: germline.
Comment: In summary, the available evidence is currently insufficient to determine the role of this variant in disease. Therefore, it has been classified as a Variant of Uncertain Significance. Experimental studies and prediction algorithms are not available or were not evaluated, and the functional significance of this variant is currently unknown. ClinVar contains an entry for this variant (Variation ID: 854204). This variant has not been reported in the literature in individuals affected with ZFR-related conditions. This variant is present in population databases (rs746629041, gnomAD 0.04%). This variant, c.894_896dup, results in the insertion of 1 amino acid(s) of the ZFR protein (p.Ala299dup), but otherwise preserves the integrity of the reading frame.

Breakthrough Genomics
Classification: Uncertain significance. Review status: criteria provided, single submitter. Criteria: ACMG Guidelines, 2015. Collection method: not provided. Allele origin: germline. Inheritance: Unknown mechanism. Affected: yes.

NM_016107.5(ZFR):c.882TGC[6] (p.Ala299dup)

Gene: ZFR (zinc finger RNA binding protein; minus strand). Cytogenetic location: 5p13.3.
Variant type: Microsatellite.
Coding change: c.882TGC[6] on transcript NM_016107.5 (MANE Select); six copies in a row of the 3-base unit TGC starting at c.882; the reference has five copies in a row; one copy, 3 bases duplicated.
Protein change: p.Ala299dup; duplicates alanine 299.
Molecular consequence: inframe insertion. On other transcripts: non-coding transcript variant (1).
Genome position (GRCh38, 1-based): chr5:32,406,910-32,406,912, GCA duplicated on the plus strand (TGC on the coding strand, the reverse complement: ZFR is on the minus strand); duplicating any 3 consecutive bases within chr5:32,406,910-32,406,926 gives the same sequence; the position shown is the placement nearest the transcript's 3' end. VCF-style (leftmost placement, unchanged base first): chr5-32406909-T-TGCA. GRCh37 (hg19) VCF-style: chr5-32407014-T-TGCA.
Identifiers: ClinVar variation 854204 (VCV000854204.9), dbSNP rs746629041, ClinGen allele CA3221961.
Genomic context (GRCh38, chr5:32,406,909, plus strand): 5'-CAGTTGTTTATTTTGGAATGGTGCTTTTTTAGTAAAGGTGGTCCCTGTCCAGGCAGCTGT[T>TGCA]GCAGCAGCAGCAGCAGCTGCTGCTGCTGCCTGCTTCTGTTGCTGCTGCTGCTGTTGATAG-3'